The following is an entry in ClinVar:

ClinVar aggregate classification (germline): Likely pathogenic (1 of 4 stars; one submission).

Allele frequency attached by ClinVar (database versions not stated): ExAC 0.00001; ESP Exome Variant Server 0.00008.
gnomAD v4.1: 6 of 1,614,030 alleles (0.00037%); highest among the groups gnomAD compares: East Asian, 0.0045%; no homozygotes.

Submission:

Labcorp Genetics (formerly Invitae), Labcorp
Classification: Likely pathogenic. Last evaluated: 2025-08-30. Review status: criteria provided, single submitter. Criteria: Invitae Variant Classification Sherloc (09022015). Collection method: clinical testing. Allele origin: germline.
Comment: This sequence change replaces arginine, which is basic and polar, with glycine, which is neutral and non-polar, at codon 487 of the ABCC6 protein (p.Arg487Gly). This variant is present in population databases (rs374244303, gnomAD 0.007%). This variant has not been reported in the literature in individuals affected with ABCC6-related conditions. ClinVar contains an entry for this variant (Variation ID: 1353751). Invitae Evidence Modeling of protein sequence and biophysical properties (such as structural, functional, and spatial information, amino acid conservation, physicochemical variation, residue mobility, and thermodynamic stability) indicates that this missense variant is expected to disrupt ABCC6 protein function with a positive predictive value of 95%. This variant disrupts the p.Arg487 amino acid residue in ABCC6. Other variant(s) that disrupt this residue have been determined to be pathogenic (PMID: 16835894, 32873932). This suggests that this residue is clinically significant, and that variants that disrupt this residue are likely to be disease-causing. In summary, the currently available evidence indicates that the variant is pathogenic, but additional data are needed to prove that conclusively. Therefore, this variant has been classified as Likely Pathogenic.

Literature cited by the submitters: PubMed 16835894; PubMed 32873932.

NM_001171.6(ABCC6):c.1459C>G (p.Arg487Gly)

Gene: ABCC6 (ATP binding cassette subfamily C member 6; minus strand). Cytogenetic location: 16p13.11.
Variant type: single nucleotide variant.
Coding change: c.1459C>G on transcript NM_001171.6 (MANE Select); coding-DNA position 1459, C replaced by G.
Protein change: p.Arg487Gly; replaces arginine 487 with glycine.
Molecular consequence: missense variant. On other transcripts: non-coding transcript variant (1).
Genome position (GRCh38, 1-based): chr16:16,190,340, G>C on the plus strand (C>G on the coding strand, the complement: ABCC6 is on the minus strand). VCF-style: chr16-16190340-G-C. GRCh37 (hg19) VCF-style: chr16-16284197-G-C.
Other names: c.1117C>G, p.Arg373Gly (NM_001351800.1); short protein forms R373G, R487G.
Identifiers: ClinVar variation 1353751 (VCV001353751.8), dbSNP rs374244303, ClinGen allele CA7926293.
Genomic context (GRCh38, chr16:16,190,340, plus strand): 5'-CCCAGCCATGGAACTTGATGGTCTTCGAGTTCCTGAGGATAGAGCTGGTGAGCCGTGCCC[G>C]TGAGTCCTTCTGCCTCATTTGCTCCTCCTGGGATCGGAGGGAAAAAGAGAGATGAAGACA-3'
Protein context (NP_001162.5, residues 477-497): QEEQMRQKDS[Arg487Gly]ARLTSSILRN